The following is an entry in ClinVar:

NM_005996.4(TBX3):c.959C>T (p.Ser320Phe)

Gene: TBX3 (T-box transcription factor 3; minus strand). Cytogenetic location: 12q24.21.
Variant type: single nucleotide variant.
Coding change: c.959C>T on transcript NM_005996.4 (MANE Select); coding-DNA position 959, C replaced by T.
Protein change: p.Ser320Phe; replaces serine 320 with phenylalanine.
Molecular consequence: missense variant.
Genome position (GRCh38, 1-based): chr12:114,676,393, G>A on the plus strand (C>T on the coding strand, the complement: TBX3 is on the minus strand). VCF-style: chr12-114676393-G-A. GRCh37 (hg19) VCF-style: chr12-115114198-G-A.
Other names: c.1019C>T, p.Ser340Phe (NM_016569.4); short protein forms S340F, S320F.
Identifiers: ClinVar variation 1465536 (VCV001465536.6), dbSNP rs1396893876, ClinGen allele CA386869925.

ClinVar aggregate classification (germline): Uncertain significance (1 of 4 stars; one submission).

Conditions:
Ulnar-mammary syndrome (UMS). Also called: SCHINZEL SYNDROME; PALLISTER ULNAR-MAMMARY SYNDROME; Ulnar-mammary syndrome of Pallister. Identifiers: Orphanet 3138, MedGen C1866994, MONDO:0008411, OMIM 181450.

Allele frequency attached by ClinVar (database versions not stated): gnomAD exomes below 0.00001; TOPMed below 0.00001; gnomAD 0.00001.
gnomAD v4.1: 2 of 1,614,086 alleles (0.00012%); highest among the groups gnomAD compares: African/African-American, 0.0013%; no homozygotes.

Submission:

Labcorp Genetics (formerly Invitae), Labcorp
Classification: Uncertain significance for Ulnar-mammary syndrome. Last evaluated: 2022-06-20. Review status: criteria provided, single submitter. Criteria: Invitae Variant Classification Sherloc (09022015). Collection method: clinical testing. Allele origin: germline.
Comment: Algorithms developed to predict the effect of missense changes on protein structure and function are either unavailable or do not agree on the potential impact of this missense change (SIFT: "Deleterious"; PolyPhen-2: "Probably Damaging"; Align-GVGD: "Class C15"). This sequence change replaces serine, which is neutral and polar, with phenylalanine, which is neutral and non-polar, at codon 320 of the TBX3 protein (p.Ser320Phe). This variant is not present in population databases (gnomAD no frequency). This variant has not been reported in the literature in individuals affected with TBX3-related conditions. In summary, the available evidence is currently insufficient to determine the role of this variant in disease. Therefore, it has been classified as a Variant of Uncertain Significance.